The following is an entry in ClinVar:

NM_001148.6(ANK2):c.10513G>A (p.Asp3505Asn)

Gene: ANK2 (ankyrin 2; plus strand). Cytogenetic location: 4q26.
Variant type: single nucleotide variant.
Coding change: c.10513G>A on transcript NM_001148.6 (MANE Select); coding-DNA position 10513, G replaced by A.
Protein change: p.Asp3505Asn; replaces aspartic acid 3505 with asparagine.
Molecular consequence: missense variant. On other transcripts: intron variant (68).
Genome position (GRCh38, 1-based): chr4:113,359,131, G>A. VCF-style: chr4-113359131-G-A. GRCh37 (hg19) VCF-style: chr4-114280287-G-A.
Other names: c.10279G>A, p.Asp3427Asn (NM_001386142.1); c.6913G>A, p.Asp2305Asn (NM_001386166.1); c.10654G>A, p.Asp3552Asn (NM_001386174.1); c.10630G>A, p.Asp3544Asn (NM_001386175.1); c.4412-1692G>A (NM_001386186.2, NM_001386148.2); c.4214-1692G>A (NM_001354269.3); c.4292-1692G>A (NM_001386187.2); c.4253-1692G>A (NM_001386147.1); and 35 more; short protein forms D3427N, D3552N, D2305N, D3544N, D3505N.
Identifiers: ClinVar variation 4096614 (VCV004096614.1).

ClinVar aggregate classification (germline): Uncertain significance (1 of 4 stars; one submission).

Conditions:
Cardiovascular phenotype. Identifiers: MedGen CN230736.

gnomAD v4.1: 14 of 1,613,862 alleles (0.00087%); highest among the groups gnomAD compares: South Asian, 0.0088%; no homozygotes.

Submission:

Ambry Genetics
Classification: Uncertain significance for Cardiovascular phenotype. Last evaluated: 2025-07-30. Review status: criteria provided, single submitter. Criteria: Ambry Variant Classification Scheme 2023. Collection method: clinical testing. Allele origin: germline.
Comment: The p.D3505N variant (also known as c.10513G>A), located in coding exon 38 of the ANK2 gene, results from a G to A substitution at nucleotide position 10513. The aspartic acid at codon 3505 is replaced by asparagine, an amino acid with highly similar properties. This amino acid position is conserved. In addition, the in silico prediction for this alteration is inconclusive. Based on the available evidence, the clinical significance of this variant remains unclear.